The following is an entry in ClinVar:

ClinVar aggregate classification (germline): Uncertain significance. Review status: criteria provided, multiple submitters, no conflicts (2 of 4 stars). 2 submissions from 2 submitters: Uncertain significance (2). Last evaluated 2026-03-31.

gnomAD v4.1: 8 of 1,554,598 alleles (0.00051%); highest among the groups gnomAD compares: African/African-American, 0.0014%; no homozygotes.

Submissions (2):

GeneDx
Classification: Uncertain significance. Last evaluated: 2026-03-31. Review status: criteria provided, single submitter. Criteria: GeneDx Variant Classification Process June 2021. Collection method: clinical testing. Allele origin: germline.
Comment: Not observed at significant frequency in large population cohorts (gnomAD); In silico analysis suggests that this missense variant does not alter protein structure/function; Has not been previously published as pathogenic or benign to our knowledge

Ambry Genetics
Classification: Uncertain significance. Last evaluated: 2025-11-20. Review status: criteria provided, single submitter. Criteria: Ambry Variant Classification Scheme 2023. Collection method: clinical testing. Allele origin: germline.

NM_001039876.3(SYNE4):c.460G>A (p.Val154Met)

Gene: SYNE4 (spectrin repeat containing nuclear envelope family member 4; minus strand). Cytogenetic location: 19q13.12.
Variant type: single nucleotide variant.
Coding change: c.460G>A on transcript NM_001039876.3 (MANE Select); coding-DNA position 460, G replaced by A.
Protein change: p.Val154Met; replaces valine 154 with methionine.
Molecular consequence: missense variant. On other transcripts: intron variant (1).
Genome position (GRCh38, 1-based): chr19:36,006,908, C>T on the plus strand (G>A on the coding strand, the complement: SYNE4 is on the minus strand). VCF-style: chr19-36006908-C-T. GRCh37 (hg19) VCF-style: chr19-36497810-C-T.
Other names: c.460G>A (NM_001039876.2); c.280-237G>A (NM_001297735.3); short protein forms V154M.
Identifiers: ClinVar variation 4591848 (VCV004591848.2).